The following is an entry in ClinVar:

ClinVar aggregate classification (germline): Uncertain significance (1 of 4 stars; one submission).

Conditions:
Glycogen storage disease type III (GSD3). Also called: FORBES DISEASE; Cori disease. Identifiers: Orphanet 366, MedGen C0017922, MONDO:0009291, OMIM 232400.

Submission:

Labcorp Genetics (formerly Invitae), Labcorp
Classification: Uncertain significance for Glycogen storage disease type III. Last evaluated: 2023-12-11. Review status: criteria provided, single submitter. Criteria: Invitae Variant Classification Sherloc (09022015). Collection method: clinical testing. Allele origin: germline.
Comment: This sequence change replaces aspartic acid, which is acidic and polar, with glutamic acid, which is acidic and polar, at codon 489 of the AGL protein (p.Asp489Glu). This variant is not present in population databases (gnomAD no frequency). This variant has not been reported in the literature in individuals affected with AGL-related conditions. ClinVar contains an entry for this variant (Variation ID: 2009062). Advanced modeling of protein sequence and biophysical properties (such as structural, functional, and spatial information, amino acid conservation, physicochemical variation, residue mobility, and thermodynamic stability) performed at Invitae indicates that this missense variant is expected to disrupt AGL protein function with a positive predictive value of 80%. In summary, the available evidence is currently insufficient to determine the role of this variant in disease. Therefore, it has been classified as a Variant of Uncertain Significance.

NM_000642.3(AGL):c.1467C>G (p.Asp489Glu)

Gene: AGL (amylo-alpha-1,6-glucosidase and 4-alpha-glucanotransferase; plus strand). Cytogenetic location: 1p21.2.
Variant type: single nucleotide variant.
Coding change: c.1467C>G on transcript NM_000642.3 (MANE Select); coding-DNA position 1467, C replaced by G.
Protein change: p.Asp489Glu; replaces aspartic acid 489 with glutamic acid.
Molecular consequence: missense variant.
Genome position (GRCh38, 1-based): chr1:99,877,684, C>G. VCF-style: chr1-99877684-C-G. GRCh37 (hg19) VCF-style: chr1-100343240-C-G.
Other names: c.1467C>G, p.Asp489Glu (NM_000643.3, NM_000644.3, NM_001425325.1 and 2 more transcripts); c.1419C>G, p.Asp473Glu (NM_000646.3); c.1266C>G, p.Asp422Glu (NM_001425327.1); c.1263C>G, p.Asp421Glu (NM_001425328.1, NM_001425329.1); c.1089C>G, p.Asp363Glu (NM_001425332.1); short protein forms D473E, D489E, D363E, D421E, D422E.
Identifiers: ClinVar variation 2009062 (VCV002009062.4), dbSNP rs1408929606, ClinGen allele CA341314573.
Genomic context (GRCh38, chr1:99,877,684, plus strand): 5'-ATCTCTTTTCTGAACAGGTTCAGAAGTTTACCTAAGGAGAGAACTTATTTGCTGGGGAGA[C>G]AGTGTTAAATTACGCTATGGGAATAAACCAGAGGACTGTCCTTATCTCTGGGCACACATG-3'
Protein context (NP_000633.2, residues 479-499): YLRRELICWG[Asp489Glu]SVKLRYGNKP